The following is an entry in ClinVar:

ClinVar aggregate classification (germline): Pathogenic (0 of 4 stars; one submission).

Conditions:
PAX6-related disorder. Also called: PAX6-related disorders; PAX6-related condition.

Submission:

PreventionGenetics, part of Exact Sciences
Classification: Pathogenic for PAX6-related condition. Last evaluated: 2024-02-13. Review status: no assertion criteria provided. Collection method: clinical testing. Allele origin: germline.
Comment: The PAX6 c.609delC variant is predicted to result in a frameshift and premature protein termination (p.Ile204Serfs*17). This variant can also be denoted as c.567delC (p.Ile190Serfs*17) in alternate transcript NM_000280.4. This variant has been reported as segregating with disease in a four-generation kindred with aniridia (Wang et al. 2018. PubMed ID: 29850208). This variant is reported in 0.00088% of alleles in individuals of European (Non-Finnish) descent in gnomAD. Frameshift variants in PAX6 are expected to be pathogenic. Given the evidence, we interpret this variant as pathogenic.

NM_001368894.2(PAX6):c.609del (p.Ile204fs)

Gene: PAX6 (paired box 6; minus strand). Cytogenetic location: 11p13.
Variant type: Deletion.
Coding change: c.609del on transcript NM_001368894.2 (MANE Select); coding-DNA position 609, one base deleted (C; older notation c.609delC).
Protein change: p.Ile204fs; shifts the reading frame from isoleucine 204.
Molecular consequence: frameshift variant. On other transcripts: 5 prime UTR variant (1), non-coding transcript variant (2).
Genome position (GRCh38, 1-based): chr11:31,794,745, G deleted on the plus strand (C on the coding strand, the reverse complement: PAX6 is on the minus strand); the first of 2 consecutive G bases (chr11:31,794,745-31,794,746); deleting either gives the same sequence. VCF-style (leftmost placement, unchanged base first): chr11-31794744-TG-T. GRCh37 (hg19) VCF-style: chr11-31816292-TG-T.
Other names: c.567del, p.Ile190fs (NM_000280.6, NM_001127612.3, NM_001258464.2 and 10 more transcripts); c.609del, p.Ile204fs (NM_001258462.3, NM_001258463.2, NM_001310158.2 and 6 more transcripts); c.159del, p.Ile54fs (NM_001310160.2, NM_001310161.3, NM_001368899.2 and 11 more transcripts); c.810del, p.Ile271fs (NM_001368910.2); c.612del, p.Ile205fs (NM_001368911.2); c.684del, p.Ile229fs (NM_001368918.2, NM_001368919.2); c.642del, p.Ile215fs (NM_001368920.2); c.408del, p.Ile137fs (NM_001368921.2, NM_001368922.2, NM_001368923.2 and 4 more transcripts); and 2 more; short protein forms I123fs, I137fs, I190fs, I204fs, I205fs, I215fs, I229fs, I271fs.
Identifiers: ClinVar variation 3061451 (VCV003061451.2), dbSNP rs773606401, ClinGen allele CA5933840.